The following is an entry in ClinVar:

NM_012387.3(PADI4):c.1149C>A (p.Arg383=)

Gene: PADI4 (peptidyl arginine deiminase 4; plus strand). Cytogenetic location: 1p36.13.
Variant type: single nucleotide variant.
Coding change: c.1149C>A on transcript NM_012387.3 (MANE Select); coding-DNA position 1149, C replaced by A.
Protein change: p.Arg383=; no amino-acid change (arginine 383 retained).
Molecular consequence: synonymous variant.
Genome position (GRCh38, 1-based): chr1:17,348,042, C>A. VCF-style: chr1-17348042-C-A. GRCh37 (hg19) VCF-style: chr1-17674537-C-A.
Identifiers: ClinVar variation 3059475 (VCV003059475.2), dbSNP rs2240335, ClinGen allele CA640790.

ClinVar aggregate classification (germline): Benign (0 of 4 stars; one submission).

Conditions:
PADI4-related disorder. Also called: PADI4-related condition.

Allele frequency attached by ClinVar (database versions not stated): ESP Exome Variant Server 0.35837; gnomAD 0.37285; TOPMed 0.37975; ExAC 0.38954; 1000 Genomes Project 30x 0.41786; 1000 Genomes Project 0.42133.
gnomAD v4.1: 577,035 of 1,587,424 alleles (36%); highest among the groups gnomAD compares: East Asian, 58%; 107,661 homozygotes.

Submission:

PreventionGenetics, part of Exact Sciences
Classification: Benign for PADI4-related condition. Last evaluated: 2019-10-17. Review status: no assertion criteria provided. Collection method: clinical testing. Allele origin: germline.
Comment: This variant is classified as benign based on ACMG/AMP sequence variant interpretation guidelines (Richards et al. 2015 PMID: 25741868, with internal and published modifications).